The following is an entry in ClinVar:

ClinVar aggregate classification (germline): Likely pathogenic (1 of 4 stars; one submission).

Submission:

CeGaT Center for Human Genetics Tuebingen
Classification: Likely pathogenic. Last evaluated: 2024-11-01. Review status: criteria provided, single submitter. Criteria: CeGaT Center For Human Genetics Tuebingen Variant Classification Criteria Version 2. Collection method: clinical testing. Allele origin: germline. Affected: yes. Observed: 5 variant alleles.
Comment: RHAG: PP1:Strong, PM2, PM3, PP4, BP4

NM_000324.3(RHAG):c.1034G>A (p.Gly345Asp)

Gene: RHAG (Rh associated glycoprotein; minus strand). Cytogenetic location: 6p12.3.
Variant type: single nucleotide variant.
Coding change: c.1034G>A on transcript NM_000324.3 (MANE Select); coding-DNA position 1034, G replaced by A.
Protein change: p.Gly345Asp; replaces glycine 345 with aspartic acid.
Molecular consequence: missense variant.
Genome position (GRCh38, 1-based): chr6:49,611,057, C>T on the plus strand (G>A on the coding strand, the complement: RHAG is on the minus strand). VCF-style: chr6-49611057-C-T. GRCh37 (hg19) VCF-style: chr6-49578770-C-T.
Other names: short protein forms G345D.
Identifiers: ClinVar variation 3341954 (VCV003341954.16).